The following is an entry in ClinVar:

ClinVar aggregate classification (germline): Uncertain significance (1 of 4 stars; one submission).

Conditions:
Congenital sideroblastic anemia-B-cell immunodeficiency-periodic fever-developmental delay syndrome. Also called: Sideroblastic anemia with B-cell immunodeficiency, periodic fevers, and developmental delay. Identifiers: Orphanet 369861, MedGen C4015172, MONDO:0014487, OMIM 616084.

gnomAD v4.1: 3 of 1,613,308 alleles (0.00019%); highest among the groups gnomAD compares: Non-Finnish European, 0.00025%; no homozygotes.

Submission:

Labcorp Genetics (formerly Invitae), Labcorp
Classification: Uncertain significance for Congenital sideroblastic anemia-B-cell immunodeficiency-periodic fever-developmental delay syndrome. Last evaluated: 2022-08-09. Review status: criteria provided, single submitter. Criteria: Invitae Variant Classification Sherloc (09022015). Collection method: clinical testing. Allele origin: germline.
Comment: In summary, the available evidence is currently insufficient to determine the role of this variant in disease. Therefore, it has been classified as a Variant of Uncertain Significance. Algorithms developed to predict the effect of missense changes on protein structure and function output the following: SIFT: "Tolerated"; PolyPhen-2: "Benign"; Align-GVGD: "Class C0". The serine amino acid residue is found in multiple mammalian species, which suggests that this missense change does not adversely affect protein function. This variant has not been reported in the literature in individuals affected with TRNT1-related conditions. This variant is not present in population databases (gnomAD no frequency). This sequence change replaces threonine, which is neutral and polar, with serine, which is neutral and polar, at codon 360 of the TRNT1 protein (p.Thr360Ser).

NM_182916.3(TRNT1):c.1078A>T (p.Thr360Ser)

Gene: TRNT1 (tRNA nucleotidyl transferase 1; plus strand). Cytogenetic location: 3p26.2.
Variant type: single nucleotide variant.
Coding change: c.1078A>T on transcript NM_182916.3 (MANE Select); coding-DNA position 1078, A replaced by T.
Protein change: p.Thr360Ser; replaces threonine 360 with serine.
Molecular consequence: missense variant. On other transcripts: non-coding transcript variant (8).
Genome position (GRCh38, 1-based): chr3:3,147,927, A>T. VCF-style: chr3-3147927-A-T. GRCh37 (hg19) VCF-style: chr3-3189611-A-T.
Other names: c.1018A>T, p.Thr340Ser (NM_001302946.2); c.1078A>T, p.Thr360Ser (NM_001367321.1, NM_001367322.1, NM_001367323.1); short protein forms T340S, T360S.
Identifiers: ClinVar variation 1722307 (VCV001722307.5), dbSNP rs1186339862, ClinGen allele CA351448602.